The following is an entry in ClinVar:

NM_012418.4(FSCN2):c.1273+4C>T

Gene: FSCN2 (fascin actin-bundling protein 2, retinal; plus strand). Cytogenetic location: 17q25.3.
Variant type: single nucleotide variant.
Coding change: c.1273+4C>T on transcript NM_012418.4 (MANE Select); 4 bases into the intron after coding-DNA position 1273, C replaced by T.
Molecular consequence: intron variant.
Genome position (GRCh38, 1-based): chr17:81,536,793, C>T. VCF-style: chr17-81536793-C-T. GRCh37 (hg19) VCF-style: chr17-79503819-C-T.
Other names: c.1345+4C>T (NM_001077182.3).
Identifiers: ClinVar variation 2769587 (VCV002769587.3), dbSNP rs1190362024, ClinGen allele CA628022703.

ClinVar aggregate classification (germline): Uncertain significance (1 of 4 stars; one submission).

Allele frequency attached by ClinVar (database versions not stated): gnomAD exomes 0.00001.
gnomAD v4.1: 11 of 1,478,424 alleles (0.00074%); highest among the groups gnomAD compares: East Asian, 0.0025%; no homozygotes.

Submission:

Labcorp Genetics (formerly Invitae), Labcorp
Classification: Uncertain significance. Last evaluated: 2023-10-17. Review status: criteria provided, single submitter. Criteria: Invitae Variant Classification Sherloc (09022015). Collection method: clinical testing. Allele origin: germline.
Comment: This sequence change falls in intron 4 of the FSCN2 gene. It does not directly change the encoded amino acid sequence of the FSCN2 protein. It affects a nucleotide within the consensus splice site. This variant is not present in population databases (gnomAD no frequency). This variant has not been reported in the literature in individuals affected with FSCN2-related conditions. Variants that disrupt the consensus splice site are a relatively common cause of aberrant splicing (PMID: 17576681, 9536098). Algorithms developed to predict the effect of sequence changes on RNA splicing suggest that this variant is not likely to affect RNA splicing. In summary, the available evidence is currently insufficient to determine the role of this variant in disease. Therefore, it has been classified as a Variant of Uncertain Significance.

Literature cited by the submitters: PubMed 17576681; PubMed 9536098.